The following is an entry in ClinVar:

NM_198578.4(LRRK2):c.1576T>C (p.Phe526Leu)

Gene: LRRK2 (leucine rich repeat kinase 2; plus strand). Cytogenetic location: 12q12.
Variant type: single nucleotide variant.
Coding change: c.1576T>C on transcript NM_198578.4 (MANE Select); coding-DNA position 1576, T replaced by C.
Protein change: p.Phe526Leu; replaces phenylalanine 526 with leucine.
Molecular consequence: missense variant.
Genome position (GRCh38, 1-based): chr12:40,263,821, T>C. VCF-style: chr12-40263821-T-C. GRCh37 (hg19) VCF-style: chr12-40657623-T-C.
Other names: short protein forms F526L.
Identifiers: ClinVar variation 1775606 (VCV001775606.4), dbSNP rs2499572033, ClinGen allele CA384398844.

ClinVar aggregate classification (germline): Uncertain significance. Review status: criteria provided, multiple submitters, no conflicts (2 of 4 stars). 2 submissions from 2 submitters: Uncertain significance (2). Last evaluated 2024-08-14.

Conditions:
Autosomal dominant Parkinson disease 8. Also called: LRRK2-Related Parkinson Disease; Parkinson disease 8; Parkinson disease 8, susceptibility to. Identifiers: Orphanet 411602, MedGen C1846862, MONDO:0011764, OMIM 607060.
Inborn genetic diseases. Identifiers: MedGen C0950123, MeSH D030342.

Allele frequency attached by ClinVar (database versions not stated): gnomAD exomes below 0.00001.
gnomAD v4.1: 3 of 1,613,254 alleles (0.00019%); highest among the groups gnomAD compares: Non-Finnish European, 0.00025%; no homozygotes.

Submissions (2):

Labcorp Genetics (formerly Invitae), Labcorp
Classification: Uncertain significance for Autosomal dominant Parkinson disease 8. Last evaluated: 2024-08-14. Review status: criteria provided, single submitter. Criteria: Invitae Variant Classification Sherloc (09022015). Collection method: clinical testing. Allele origin: germline.
Comment: This sequence change replaces phenylalanine, which is neutral and non-polar, with leucine, which is neutral and non-polar, at codon 526 of the LRRK2 protein (p.Phe526Leu). This variant is not present in population databases (gnomAD no frequency). This variant has not been reported in the literature in individuals affected with LRRK2-related conditions. ClinVar contains an entry for this variant (Variation ID: 1775606). Invitae Evidence Modeling of protein sequence and biophysical properties (such as structural, functional, and spatial information, amino acid conservation, physicochemical variation, residue mobility, and thermodynamic stability) indicates that this missense variant is not expected to disrupt LRRK2 protein function with a negative predictive value of 80%. In summary, the available evidence is currently insufficient to determine the role of this variant in disease. Therefore, it has been classified as a Variant of Uncertain Significance.

Ambry Genetics
Classification: Uncertain significance for Inborn genetic diseases. Last evaluated: 2021-07-16. Review status: criteria provided, single submitter. Criteria: Ambry Variant Classification Scheme 2023. Collection method: clinical testing. Allele origin: germline.
Comment: The p.F526L variant (also known as c.1576T>C), located in coding exon 14 of the LRRK2 gene, results from a T to C substitution at nucleotide position 1576. The phenylalanine at codon 526 is replaced by leucine, an amino acid with highly similar properties. This amino acid position is conserved. In addition, this alteration is predicted to be tolerated by in silico analysis. Since supporting evidence is limited at this time, the clinical significance of this alteration remains unclear.